The following is an entry in ClinVar:

ClinVar aggregate classification (germline): Uncertain significance (1 of 4 stars; one submission).

gnomAD v4.1: 3 of 1,614,014 alleles (0.00019%); highest among the groups gnomAD compares: African/African-American, 0.004%; no homozygotes.

Submission:

Labcorp Genetics (formerly Invitae), Labcorp
Classification: Uncertain significance. Last evaluated: 2022-12-30. Review status: criteria provided, single submitter. Criteria: Invitae Variant Classification Sherloc (09022015). Collection method: clinical testing. Allele origin: germline.
Comment: This sequence change replaces proline, which is neutral and non-polar, with alanine, which is neutral and non-polar, at codon 179 of the ARHGEF10 protein (p.Pro179Ala). This variant is not present in population databases (gnomAD no frequency). This variant has not been reported in the literature in individuals affected with ARHGEF10-related conditions. Algorithms developed to predict the effect of missense changes on protein structure and function (SIFT, PolyPhen-2, Align-GVGD) all suggest that this variant is likely to be tolerated. In summary, the available evidence is currently insufficient to determine the role of this variant in disease. Therefore, it has been classified as a Variant of Uncertain Significance.

NM_014629.4(ARHGEF10):c.535C>G (p.Pro179Ala)

Gene: ARHGEF10 (Rho guanine nucleotide exchange factor 10; plus strand). Cytogenetic location: 8p23.3.
Variant type: single nucleotide variant.
Coding change: c.535C>G on transcript NM_014629.4 (MANE Select); coding-DNA position 535, C replaced by G.
Protein change: p.Pro179Ala; replaces proline 179 with alanine.
Molecular consequence: missense variant.
Genome position (GRCh38, 1-based): chr8:1,864,426, C>G. VCF-style: chr8-1864426-C-G. GRCh37 (hg19) VCF-style: chr8-1812592-C-G.
Other names: c.538C>G, p.Pro180Ala (NM_001308152.2, NM_001308153.3); short protein forms P179A, P180A, P204A.
Identifiers: ClinVar variation 1929306 (VCV001929306.5), dbSNP rs1311696226, ClinGen allele CA369956789.
Genomic context (GRCh38, chr8:1,864,426, plus strand): 5'-CCAGCAGAAACACCAGAAGTCACAGAAGATCGCCAGCCCAATTCTCTGAGTTCCGAGGAG[C>G]CTCCAACCAGGTATCTGCATCCGTCTTCCCACACCTGCTGAATTCCCGCCTTTCTCCTGA-3'
Protein context (NP_055444.2, residues 169-189): RQPNSLSSEE[Pro179Ala]PTSEDQVGRE